The following is an entry in ClinVar:

NM_000051.4(ATM):c.1759G>C (p.Gly587Arg)

Gene: ATM (ATM serine/threonine kinase; plus strand). Cytogenetic location: 11q22.3.
Variant type: single nucleotide variant.
Coding change: c.1759G>C on transcript NM_000051.4 (MANE Select); coding-DNA position 1759, G replaced by C.
Protein change: p.Gly587Arg; replaces glycine 587 with arginine.
Molecular consequence: missense variant.
Genome position (GRCh38, 1-based): chr11:108,251,988, G>C. VCF-style: chr11-108251988-G-C. GRCh37 (hg19) VCF-style: chr11-108122715-G-C.
Other names: c.1759G>C, p.Gly587Arg (NM_001351834.2); short protein forms G587R.
Identifiers: ClinVar variation 1051073 (VCV001051073.9), dbSNP rs879254227, ClinGen allele CA382535406.
Genomic context (GRCh38, chr11:108,251,988, plus strand): 5'-AATAGAAGCTTTTCTTTAAAGGAATCAATAATGAAATGGCTCTTATTCTATCAGTTAGAG[G>C]GTGACTTAGAAAATAGCACAGAAGTGCCTCCAATTCTTCACAGGTAATTTAAGTTCATTA-3'
Protein context (NP_000042.3, residues 577-597): MKWLLFYQLE[Gly587Arg]DLENSTEVPP

ClinVar aggregate classification (germline): Uncertain significance (1 of 4 stars; one submission).

Conditions:
Ataxia-telangiectasia syndrome (AT). Also called: ATAXIA-TELANGIECTASIA, FRESNO VARIANT; Ataxia-telangiectasia, complementation group E; ATAXIA-TELANGIECTASIA, COMPLEMENTATION GROUP A; LOUIS-BAR SYNDROME; Ataxia-telangiectasia, complementation group D; AT, COMPLEMENTATION GROUP C. Identifiers: Orphanet 100, MedGen C0004135, MONDO:0008840, OMIM 208900.

Submission:

Labcorp Genetics (formerly Invitae), Labcorp
Classification: Uncertain significance for Ataxia-telangiectasia syndrome. Last evaluated: 2020-06-29. Review status: criteria provided, single submitter. Criteria: Invitae Variant Classification Sherloc (09022015). Collection method: clinical testing. Allele origin: germline.
Comment: In summary, the available evidence is currently insufficient to determine the role of this variant in disease. Therefore, it has been classified as a Variant of Uncertain Significance. Algorithms developed to predict the effect of missense changes on protein structure and function are either unavailable or do not agree on the potential impact of this missense change (SIFT: "Deleterious"; PolyPhen-2: "Benign"; Align-GVGD: "Class C0"). This variant has not been reported in the literature in individuals with ATM-related conditions. This variant is not present in population databases (ExAC no frequency). This sequence change replaces glycine with arginine at codon 587 of the ATM protein (p.Gly587Arg). The glycine residue is weakly conserved and there is a moderate physicochemical difference between glycine and arginine.